The following is an entry in ClinVar:

NM_000096.4(CP):c.2987T>C (p.Val996Ala)

Gene: CP (ceruloplasmin; minus strand). Cytogenetic location: 3q24.
Variant type: single nucleotide variant.
Coding change: c.2987T>C on transcript NM_000096.4 (MANE Select); coding-DNA position 2987, T replaced by C.
Protein change: p.Val996Ala; replaces valine 996 with alanine.
Molecular consequence: missense variant. On other transcripts: non-coding transcript variant (1).
Genome position (GRCh38, 1-based): chr3:149,177,871, A>G on the plus strand (T>C on the coding strand, the complement: CP is on the minus strand). VCF-style: chr3-149177871-A-G. GRCh37 (hg19) VCF-style: chr3-148895658-A-G.
Other names: short protein forms V996A.
Identifiers: ClinVar variation 3028982 (VCV003028982.2), dbSNP rs774951664, ClinGen allele CA85527956.
Genomic context (GRCh38, chr3:149,177,871, plus strand): 5'-CAAGAGTAATTGCCATGGATAGCTCTTACCTTGTATTGGAAGCTATGGCCGTGAAAATGT[A>G]CAGTGTGTAAGTCTATTTCATTGCCCATTCCCATCAGATACCAGTTGACTTCATCTCCCA-3'
Protein context (NP_000087.2, residues 986-1006): GMGNEIDLHT[Val996Ala]HFHGHSFQYK

ClinVar aggregate classification (germline): Uncertain significance (0 of 4 stars; one submission).

Conditions:
CP-related disorder. Also called: CP-related condition.

Allele frequency attached by ClinVar (database versions not stated): gnomAD 0.00001; TOPMed 0.00001.
gnomAD v4.1: 5 of 1,613,690 alleles (0.00031%); highest among the groups gnomAD compares: East Asian, 0.0022%; no homozygotes.

Submission:

PreventionGenetics, part of Exact Sciences
Classification: Uncertain significance for CP-related condition. Last evaluated: 2023-12-12. Review status: no assertion criteria provided. Collection method: clinical testing. Allele origin: germline.
Comment: The CP c.2987T>C variant is predicted to result in the amino acid substitution p.Val996Ala. To our knowledge, this variant has not been reported in the literature. This variant is reported in 0.064% of alleles in individuals of East Asian descent in gnomAD. Although we suspect that this variant may be benign, at this time, the clinical significance of this variant is uncertain due to the absence of conclusive functional and genetic evidence.